The following is an entry in ClinVar:

ClinVar aggregate classification (germline): Uncertain significance (1 of 4 stars; one submission).

Conditions:
Aortic aneurysm, familial thoracic 7 (AAT7). Also called: AORTIC DISSECTION, FAMILIAL, WITH OR WITHOUT AORTIC ANEURYSM. Identifiers: MedGen C3151077, MONDO:0013418, OMIM 613780.

Submission:

Labcorp Genetics (formerly Invitae), Labcorp
Classification: Uncertain significance for Aortic aneurysm, familial thoracic 7. Last evaluated: 2025-02-12. Review status: criteria provided, single submitter. Criteria: Invitae Variant Classification Sherloc (09022015). Collection method: clinical testing. Allele origin: germline.
Comment: This sequence change replaces valine, which is neutral and non-polar, with methionine, which is neutral and non-polar, at codon 807 of the MYLK protein (p.Val807Met). This variant is not present in population databases (gnomAD no frequency). This variant has not been reported in the literature in individuals affected with MYLK-related conditions. Invitae Evidence Modeling of protein sequence and biophysical properties (such as structural, functional, and spatial information, amino acid conservation, physicochemical variation, residue mobility, and thermodynamic stability) indicates that this missense variant is not expected to disrupt MYLK protein function with a negative predictive value of 80%. In summary, the available evidence is currently insufficient to determine the role of this variant in disease. Therefore, it has been classified as a Variant of Uncertain Significance.

NM_053025.4(MYLK):c.2419G>A (p.Val807Met)

Gene: MYLK (myosin light chain kinase; minus strand). Cytogenetic location: 3q21.1.
Variant type: single nucleotide variant.
Coding change: c.2419G>A on transcript NM_053025.4 (MANE Select); coding-DNA position 2419, G replaced by A.
Protein change: p.Val807Met; replaces valine 807 with methionine.
Molecular consequence: missense variant.
Genome position (GRCh38, 1-based): chr3:123,701,481, C>T on the plus strand (G>A on the coding strand, the complement: MYLK is on the minus strand). VCF-style: chr3-123701481-C-T. GRCh37 (hg19) VCF-style: chr3-123420328-C-T.
Other names: c.1891G>A, p.Val631Met (NM_001321309.2); c.2212G>A, p.Val738Met (NM_053026.4, NM_053028.4); c.2419G>A, p.Val807Met (NM_053027.4); short protein forms V631M, V738M, V807M.
Identifiers: ClinVar variation 4806222 (VCV004806222.1).